The following is an entry in ClinVar:

ClinVar aggregate classification (germline): Uncertain significance (1 of 4 stars; one submission).

Conditions:
Cardiovascular phenotype. Identifiers: MedGen CN230736.

gnomAD v4.1: 1 of 1,611,562 alleles (0.000062%); highest among the groups gnomAD compares: African/African-American, 0.0013%; no homozygotes.

Submission:

Molecular Diagnostic Laboratory for Inherited Cardiovascular Disease, Montreal Heart Institute
Classification: Uncertain significance for Cardiovascular phenotype. Last evaluated: 2026-03-27. Review status: criteria provided, single submitter. Criteria: ACMG Guidelines, 2015. Collection method: clinical testing. Allele origin: germline. Affected: yes.
Comment: PM2

NM_001079802.2(FKTN):c.673G>A (p.Asp225Asn)

Gene: FKTN (fukutin; plus strand). Cytogenetic location: 9q31.2.
Variant type: single nucleotide variant.
Coding change: c.673G>A on transcript NM_001079802.2 (MANE Select); coding-DNA position 673, G replaced by A.
Protein change: p.Asp225Asn; replaces aspartic acid 225 with asparagine.
Molecular consequence: missense variant. On other transcripts: non-coding transcript variant (2).
Genome position (GRCh38, 1-based): chr9:105,607,844, G>A. VCF-style: chr9-105607844-G-A. GRCh37 (hg19) VCF-style: chr9-108370125-G-A.
Other names: c.673G>A, p.Asp225Asn (NM_001198963.2, NM_001351496.2, NM_001351498.2 and 1 more transcripts); c.604G>A, p.Asp202Asn (NM_001351497.2); c.277G>A, p.Asp93Asn (NM_001351499.2, NM_001351500.2, NM_001351501.2 and 1 more transcripts); short protein forms D202N, D225N, D93N.
Identifiers: ClinVar variation 4820352 (VCV004820352.1), dbSNP rs1298422772.